The following is an entry in ClinVar:

NM_177438.3(DICER1):c.2458A>G (p.Thr820Ala)

Gene: DICER1 (dicer 1, ribonuclease III; minus strand). Cytogenetic location: 14q32.13.
Variant type: single nucleotide variant.
Coding change: c.2458A>G on transcript NM_177438.3 (MANE Select); coding-DNA position 2458, A replaced by G.
Protein change: p.Thr820Ala; replaces threonine 820 with alanine.
Molecular consequence: missense variant.
Genome position (GRCh38, 1-based): chr14:95,108,072, T>C on the plus strand (A>G on the coding strand, the complement: DICER1 is on the minus strand). VCF-style: chr14-95108072-T-C. GRCh37 (hg19) VCF-style: chr14-95574409-T-C.
Other names: c.2458A>G, p.Thr820Ala (NM_001195573.1, NM_001271282.3, NM_001291628.2 and 1 more transcripts); short protein forms T820A.
Identifiers: ClinVar variation 689458 (VCV000689458.2), dbSNP rs1595380820, ClinGen allele CA390881986.
Genomic context (GRCh38, chr14:95,108,072, plus strand): 5'-GAGACAACATGAAACCAGACTTCTTCAACTCAATGGATATGGTAACCTCTCCAGAGCGTG[T>C]GTACACAGGAAAGTGTGGAATCTTAGCAAAAGGAAATGTAAAGCACCCCTCAAAATTAAC-3'
Protein context (NP_803187.1, residues 810-830): IPQIPHFPVY[Thr820Ala]RSGEVTISIE

ClinVar aggregate classification (germline): Uncertain significance (1 of 4 stars; one submission).

Conditions:
Medulloblastoma (MDB). Also called: Medulloblastoma, somatic; MEDULLOBLASTOMA PREDISPOSITION SYNDROME. Identifiers: Orphanet 616, MedGen C0025149, MeSH D008527, MONDO:0007959, OMIM 155255, HP:0002885.

Submission:

Rady Children's Institute for Genomic Medicine, Rady Children's Hospital San Diego
Classification: Uncertain significance for Medulloblastoma. Last evaluated: 2019-08-29. Review status: criteria provided, single submitter. Criteria: ACMG Guidelines, 2015. Collection method: clinical testing. Allele origin: germline. Inheritance: Autosomal dominant inheritance. Affected: yes. Observed: 1 heterozygote.
Comment: c.2458A>G is a novel variant, not identified in over 120,000 individuals reported in the gnomaD database (Genome Aggregation Database). Residue 820 is highly conserved across vertebrates suggesting it may have a functional role in the mature DICER1 protein. Based on current evidence, c.2458A>G is currently classified as a variant of uncertain significance.